The following is an entry in ClinVar:

ClinVar aggregate classification (germline): Uncertain significance (1 of 4 stars; one submission).

Conditions:
Immunoglobulin-mediated membranoproliferative glomerulonephritis. Also called: NEPHROTIC SYNDROME, TYPE 7, WITH MEMBRANOPROLIFERATIVE GLOMERULONEPHRITIS; Nephrotic syndrome, type 7. Identifiers: Orphanet 329903, MedGen C3554330, MONDO:0014005, OMIM 615008.

Submission:

Neuberg Centre For Genomic Medicine, NCGM
Classification: Uncertain significance for Immunoglobulin-mediated membranoproliferative glomerulonephritis. Review status: criteria provided, single submitter. Criteria: ACMG Guidelines, 2015. Collection method: clinical testing. Allele origin: germline. Affected: yes.
Comment: The missense variant p.C98Y in DGKE (NM_003647.3) has not been reported previously as a pathogenic variant nor as a benign variant, to our knowledge. The p.C98Y variant is novel (not in any individuals) in gnomAD Exomes and is novel (not in any individuals) in 1000 Genomes. The p.C98Y missense variant is predicted to be damaging by both SIFT and PolyPhen2. The cysteine residue at codon 98 of DGKE is conserved in all mammalian species. The nucleotide c.293 in DGKE is predicted conserved by GERP++ and PhyloP across 100 vertebrates. For these reasons, this variant has been classified as Uncertain Significance.

NM_003647.3(DGKE):c.293G>A (p.Cys98Tyr)

Gene: DGKE (diacylglycerol kinase epsilon; plus strand). Cytogenetic location: 17q22.
Variant type: single nucleotide variant.
Coding change: c.293G>A on transcript NM_003647.3 (MANE Select); coding-DNA position 293, G replaced by A.
Protein change: p.Cys98Tyr; replaces cysteine 98 with tyrosine.
Molecular consequence: missense variant.
Genome position (GRCh38, 1-based): chr17:56,835,088, G>A. VCF-style: chr17-56835088-G-A. GRCh37 (hg19) VCF-style: chr17-54912449-G-A.
Other names: short protein forms C98Y.
Identifiers: ClinVar variation 1339010 (VCV001339010.2), dbSNP rs1906511276, ClinGen allele CA399921882.